The following is an entry in ClinVar:

NC_000012.11:g.(?_124171363)_(124242579_?)del

Genes: ATP6V0A2 (ATPase H+ transporting V0 subunit a2; plus strand), TCTN2 (tectonic family member 2; plus strand). Cytogenetic location: 12q24.31.
Variant type: Deletion.
Identifiers: ClinVar variation 3244266 (VCV003244266.1).

ClinVar aggregate classification (germline): Pathogenic (1 of 4 stars; one submission).

Conditions:
Joubert syndrome. Also called: CEREBELLOPARENCHYMAL DISORDER IV; JOUBERT-BOLTSHAUSER SYNDROME; Familial aplasia of the vermis. Identifiers: Orphanet 475, MedGen C5979921, MONDO:0018772.
Meckel-Gruber syndrome. Also called: DYSENCEPHALIA SPLANCHNOCYSTICA; GRUBER SYNDROME; Dysencephalia splachnocystica. Identifiers: Orphanet 564, MedGen C0265215, MONDO:0018921.

Submission:

Labcorp Genetics (formerly Invitae), Labcorp
Classification: Pathogenic for Joubert syndrome; Meckel-Gruber syndrome. Last evaluated: 2022-12-07. Review status: criteria provided, single submitter. Criteria: Invitae Variant Classification Sherloc (09022015). Collection method: clinical testing. Allele origin: unknown.
Comment: For these reasons, this variant has been classified as Pathogenic. This variant disrupts a region of the TCTN2 protein in which other variant(s) (p.Ile584Lys) have been determined to be pathogenic (PMID: 26092869). This suggests that this is a clinically significant region of the protein, and that variants that disrupt it are likely to be disease-causing. This variant has not been reported in the literature in individuals affected with TCTN2-related conditions. This variant is a gross deletion of the genomic region encompassing exon(s) 6-18 of the TCTN2 gene, which includes the termination codon. This deletion extends beyond the assayed region for this gene and therefore may encompass additional genes. While this deletion is not anticipated to lead to nonsense mediated decay, it is expected to alter mRNA translation or result in a truncated protein product.

Literature cited by the submitters: PubMed 26092869.